The following is an entry in ClinVar:

ClinVar aggregate classification (germline): Uncertain significance. Review status: criteria provided, multiple submitters, no conflicts (2 of 4 stars). 3 submissions from 3 submitters: Uncertain significance (3). Last evaluated 2024-06-13.

Conditions:
Inborn genetic diseases. Identifiers: MedGen C0950123, MeSH D030342.

Allele frequency attached by ClinVar (database versions not stated): gnomAD exomes 0.00002 and 0.00004; ExAC 0.00005; gnomAD 0.00009 and 0.00010; TOPMed 0.00009.
gnomAD v4.1: 40 of 1,614,030 alleles (0.0025%); highest among the groups gnomAD compares: African/African-American, 0.025%; no homozygotes.

Submissions (3):

Ambry Genetics
Classification: Uncertain significance for Inborn genetic diseases. Last evaluated: 2024-06-13. Review status: criteria provided, single submitter. Criteria: Ambry Variant Classification Scheme 2023. Collection method: clinical testing. Allele origin: germline.

Blueprint Genetics
Classification: Uncertain significance. Last evaluated: 2023-12-29. Review status: criteria provided, single submitter. Criteria: ACMG Guidelines, 2015. Collection method: clinical testing. Allele origin: germline.

Labcorp Genetics (formerly Invitae), Labcorp
Classification: Uncertain significance. Last evaluated: 2022-07-06. Review status: criteria provided, single submitter. Criteria: Invitae Variant Classification Sherloc (09022015). Collection method: clinical testing. Allele origin: germline.
Comment: This sequence change replaces alanine, which is neutral and non-polar, with threonine, which is neutral and polar, at codon 1236 of the GPR179 protein (p.Ala1236Thr). This variant is present in population databases (rs759148766, gnomAD 0.02%). This variant has not been reported in the literature in individuals affected with GPR179-related conditions. ClinVar contains an entry for this variant (Variation ID: 1046710). Algorithms developed to predict the effect of missense changes on protein structure and function output the following: SIFT: "Tolerated"; PolyPhen-2: "Benign"; Align-GVGD: "Class C0". The threonine amino acid residue is found in multiple mammalian species, which suggests that this missense change does not adversely affect protein function. In summary, the available evidence is currently insufficient to determine the role of this variant in disease. Therefore, it has been classified as a Variant of Uncertain Significance.

NM_001004334.4(GPR179):c.3706G>A (p.Ala1236Thr)

Gene: GPR179 (G protein-coupled receptor 179; minus strand). Cytogenetic location: 17q12.
Variant type: single nucleotide variant.
Coding change: c.3706G>A on transcript NM_001004334.4 (MANE Select); coding-DNA position 3706, G replaced by A.
Protein change: p.Ala1236Thr; replaces alanine 1236 with threonine.
Molecular consequence: missense variant.
Genome position (GRCh38, 1-based): chr17:38,329,863, C>T on the plus strand (G>A on the coding strand, the complement: GPR179 is on the minus strand). VCF-style: chr17-38329863-C-T. GRCh37 (hg19) VCF-style: chr17-36485746-C-T.
Other names: c.3706G>A (NM_001004334.2); short protein forms A1236T.
Identifiers: ClinVar variation 1046710 (VCV001046710.5), dbSNP rs759148766, ClinGen allele CA290104852.